The following is an entry in ClinVar:

NM_001277115.2(DNAH11):c.12461G>A (p.Arg4154His)

Gene: DNAH11 (dynein axonemal heavy chain 11; plus strand). Cytogenetic location: 7p15.3.
Variant type: single nucleotide variant.
Coding change: c.12461G>A on transcript NM_001277115.2 (MANE Select); coding-DNA position 12461, G replaced by A.
Protein change: p.Arg4154His; replaces arginine 4154 with histidine.
Molecular consequence: missense variant.
Genome position (GRCh38, 1-based): chr7:21,884,364, G>A. VCF-style: chr7-21884364-G-A. GRCh37 (hg19) VCF-style: chr7-21923982-G-A.
Other names: short protein forms R4154H.
Identifiers: ClinVar variation 410856 (VCV000410856.9), dbSNP rs375799557, ClinGen allele CA4183083.

ClinVar aggregate classification (germline): Uncertain significance (1 of 4 stars; one submission).

Conditions:
Primary ciliary dyskinesia. Also called: Ciliary dyskinesia. Identifiers: Orphanet 244, MedGen C0008780, MONDO:0016575, HP:0012265.

Allele frequency attached by ClinVar (database versions not stated): ExAC 0.00001; gnomAD 0.00001; TOPMed 0.00001; gnomAD exomes 0.00002; ESP Exome Variant Server 0.00008.
gnomAD v4.1: 18 of 1,612,842 alleles (0.0011%); highest among the groups gnomAD compares: Middle Eastern, 0.017%; no homozygotes.

Submission:

Labcorp Genetics (formerly Invitae), Labcorp
Classification: Uncertain significance for Primary ciliary dyskinesia. Last evaluated: 2022-02-04. Review status: criteria provided, single submitter. Criteria: Invitae Variant Classification Sherloc (09022015). Collection method: clinical testing. Allele origin: germline.
Comment: This sequence change replaces arginine, which is basic and polar, with histidine, which is basic and polar, at codon 4154 of the DNAH11 protein (p.Arg4154His). The frequency data for this variant in the population databases is considered unreliable, as metrics indicate poor data quality at this position in the gnomAD database. This variant has not been reported in the literature in individuals affected with DNAH11-related conditions. ClinVar contains an entry for this variant (Variation ID: 410856). Algorithms developed to predict the effect of missense changes on protein structure and function are either unavailable or do not agree on the potential impact of this missense change (SIFT: "Not Available"; PolyPhen-2: "Probably Damaging"; Align-GVGD: "Not Available"). In summary, the available evidence is currently insufficient to determine the role of this variant in disease. Therefore, it has been classified as a Variant of Uncertain Significance.